The following is an entry in ClinVar:

ClinVar aggregate classification (germline): Likely pathogenic (1 of 4 stars; one submission).

Conditions:
Gaucher disease. Also called: Acute cerebral Gaucher disease; Cerebroside lipidosis syndrome; Gaucher splenomegaly; Sphingolipidosis 1; Glucocerebrosidosis; Glucosylceramidase deficiency. Identifiers: Orphanet 355, MedGen C0017205, MONDO:0018150.

Submission:

Natera, Inc.
Classification: Likely pathogenic for Gaucher disease. Last evaluated: 2025-01-04. Review status: criteria provided, single submitter. Criteria: Natera Variant Classification Schema (03/2026). Collection method: clinical testing. Allele origin: germline.
Comment: The c.94C>T variant in GBA1 is a nonsense variant predicted to introduce a stop codon at amino acid 32. This variant is expected to result in nonsense mediated decay, truncation, or a dysfunctional protein product. This variant is rare in the general population with a frequency below the threshold expected for the associated phenotype(s). Given the available evidence, this variant is classified as Likely Pathogenic.

NM_000157.4(GBA1):c.94C>T (p.Gln32Ter)

Gene: GBA1 (glucosylceramidase beta 1; minus strand). Cytogenetic location: 1q22.
Variant type: single nucleotide variant.
Coding change: c.94C>T on transcript NM_000157.4 (MANE Select); coding-DNA position 94, C replaced by T.
Protein change: p.Gln32Ter; replaces glutamine 32 with a stop codon.
Molecular consequence: nonsense. On other transcripts: intron variant (1).
Genome position (GRCh38, 1-based): chr1:155,240,651, G>A on the plus strand (C>T on the coding strand, the complement: GBA1 is on the minus strand). VCF-style: chr1-155240651-G-A. GRCh37 (hg19) VCF-style: chr1-155210442-G-A.
Other names: c.94C>T, p.Gln32Ter (NM_001005741.3, NM_001005742.3, NM_001171812.2); c.-146-574C>T (NM_001171811.2); short protein forms Q32*.
Identifiers: ClinVar variation 4817825 (VCV004817825.1).